The following is an entry in ClinVar:

NM_001408.3(CELSR2):c.7335G>T (p.Leu2445=)

Gene: CELSR2 (cadherin EGF LAG seven-pass G-type receptor 2; plus strand). Cytogenetic location: 1p13.3.
Variant type: single nucleotide variant.
Coding change: c.7335G>T on transcript NM_001408.3 (MANE Select); coding-DNA position 7335, G replaced by T.
Protein change: p.Leu2445=; no amino-acid change (leucine 2445 retained).
Molecular consequence: synonymous variant.
Genome position (GRCh38, 1-based): chr1:109,270,452, G>T. VCF-style: chr1-109270452-G-T. GRCh37 (hg19) VCF-style: chr1-109813074-G-T.
Identifiers: ClinVar variation 2638976 (VCV002638976.24), dbSNP rs149958673, ClinGen allele CA988210.

ClinVar aggregate classification (germline): Likely benign (1 of 4 stars; one submission).

Allele frequency attached by ClinVar (database versions not stated): ExAC 0.00002; gnomAD 0.00002; TOPMed 0.00002; gnomAD exomes 0.00004; ESP Exome Variant Server 0.00008.
gnomAD v4.1: 65 of 1,614,098 alleles (0.004%); highest among the groups gnomAD compares: Middle Eastern, 0.033%; no homozygotes.

Submission:

CeGaT Center for Human Genetics Tuebingen
Classification: Likely benign. Last evaluated: 2022-07-01. Review status: criteria provided, single submitter. Criteria: CeGaT Center For Human Genetics Tuebingen Variant Classification Criteria Version 2. Collection method: clinical testing. Allele origin: germline. Affected: yes. Observed: 1 variant allele.
Comment: CELSR2: BP4, BP7